The following is an entry in ClinVar:

NM_001371986.1(UNC80):c.4066G>A (p.Glu1356Lys)

Gene: UNC80 (unc-80 subunit of NALCN channel complex; plus strand). Cytogenetic location: 2q34.
Variant type: single nucleotide variant.
Coding change: c.4066G>A on transcript NM_001371986.1 (MANE Select); coding-DNA position 4066, G replaced by A.
Protein change: p.Glu1356Lys; replaces glutamic acid 1356 with lysine.
Molecular consequence: missense variant.
Genome position (GRCh38, 1-based): chr2:209,881,050, G>A. VCF-style: chr2-209881050-G-A. GRCh37 (hg19) VCF-style: chr2-210745774-G-A.
Other names: c.4072G>A, p.Glu1358Lys (NM_032504.2); c.4057G>A, p.Glu1353Lys (NM_182587.4); short protein forms E1356K, E1358K, E1353K.
Identifiers: ClinVar variation 1513836 (VCV001513836.8), dbSNP rs2085243122, ClinGen allele CA350747781.

ClinVar aggregate classification (germline): Uncertain significance (1 of 4 stars; one submission).

Allele frequency attached by ClinVar (database versions not stated): gnomAD exomes below 0.00001; TOPMed below 0.00001; gnomAD 0.00001.
gnomAD v4.1: 2 of 1,551,618 alleles (0.00013%); highest among the groups gnomAD compares: Admixed American, 0.0039%; no homozygotes.

Submission:

Labcorp Genetics (formerly Invitae), Labcorp
Classification: Uncertain significance. Last evaluated: 2022-01-14. Review status: criteria provided, single submitter. Criteria: Invitae Variant Classification Sherloc (09022015). Collection method: clinical testing. Allele origin: germline.
Comment: In summary, the available evidence is currently insufficient to determine the role of this variant in disease. Therefore, it has been classified as a Variant of Uncertain Significance. This variant is not present in population databases (gnomAD no frequency). This missense change has been observed in individual(s) with neurodevelopmental disorder (PMID: 28191889). Algorithms developed to predict the effect of missense changes on protein structure and function are either unavailable or do not agree on the potential impact of this missense change (SIFT: "Not Available"; PolyPhen-2: "Probably Damaging"; Align-GVGD: "Not Available"). This sequence change replaces glutamic acid, which is acidic and polar, with lysine, which is basic and polar, at codon 1358 of the UNC80 protein (p.Glu1358Lys).

Literature cited by the submitters: PubMed 28191889.